The following is an entry in ClinVar:

GRCh38/hg38 Xp22.31(chrX:6539362-8064079)x3

Genes: MIR4767 (microRNA 4767; plus strand), PNPLA4 (patatin like phospholipase domain containing 4; minus strand), PUDP (pseudouridine 5'-phosphatase; minus strand), STS (steroid sulfatase; plus strand), VCX (variable charge X-linked; plus strand) and 20 more. Cytogenetic location: Xp22.31.
Variant type: copy number gain.
Change: copy number 3 of chrX:6,539,362-8,064,079 (1.52 Mb, GRCh38 coordinates, 1-based), cytogenetic band Xp22.31.
Identifiers: ClinVar variation 144095 (VCV000144095.1).

ClinVar aggregate classification (germline): Benign (1 of 4 stars; one submission).

Submission:

ISCA site 15
Classification: Benign. Last evaluated: 2011-08-12. Review status: criteria provided, single submitter. Criteria: Kaminsky et al. (Genet Med. 2011). Collection method: clinical testing. Allele origin: unknown. Affected: yes. Observed: 1 variant allele.
Comment: Copy number variation identified through the course of routine clinical cytogenomic testing in postnatal populations. Clinical assertions have been curated as described in Kaminsky et al. 2011.